The following is an entry in ClinVar:

ClinVar aggregate classification (germline): Benign/Likely benign. Review status: criteria provided, multiple submitters, no conflicts (2 of 4 stars). 8 submissions from 8 submitters: Benign (1); Likely benign (7). Last evaluated 2026-01-01.

Conditions:
Hereditary nonpolyposis colorectal neoplasms. Identifiers: MedGen C0009405, MeSH D003123.
Hereditary cancer-predisposing syndrome. Also called: Tumor predisposition; Neoplastic Syndromes, Hereditary; Hereditary Cancer Syndrome; Hereditary neoplastic syndrome. Identifiers: Orphanet 140162, MedGen C0027672, MeSH D009386, MONDO:0015356.
Lynch syndrome 4 (LYNCH4). Also called: Hereditary non-polyposis colorectal cancer, type 4; Colorectal cancer, hereditary nonpolyposis, type 4. Identifiers: Orphanet 144, MedGen C1838333, MONDO:0013699, OMIM 614337. Disease mechanism: loss of function.

Allele frequency attached by ClinVar (database versions not stated): ExAC 0.00001; gnomAD exomes 0.00002; TOPMed 0.00002.
gnomAD v4.1: 10 of 1,611,788 alleles (0.00062%); highest among the groups gnomAD compares: Admixed American, 0.005%; no homozygotes.

Submissions (8):

CeGaT Center for Human Genetics Tuebingen
Classification: Likely benign. Last evaluated: 2026-01-01. Review status: criteria provided, single submitter. Criteria: CeGaT Center For Human Genetics Tuebingen Variant Classification Criteria Version 2. Collection method: clinical testing. Allele origin: germline. Affected: yes. Observed: 1 variant allele.
Comment: PMS2: BP4, BP7

Labcorp Genetics (formerly Invitae), Labcorp
Classification: Likely benign for Hereditary nonpolyposis colorectal neoplasms. Last evaluated: 2025-12-03. Review status: criteria provided, single submitter. Criteria: Invitae Variant Classification Sherloc (09022015). Collection method: clinical testing. Allele origin: germline.

Myriad Genetics, Inc.
Classification: Benign for Lynch syndrome 4. Last evaluated: 2025-01-24. Review status: criteria provided, single submitter. Criteria: Myriad Autosomal Dominant, Autosomal Recessive and X-Linked Classification Criteria (2023). Collection method: clinical testing. Allele origin: unknown.
Comment: This variant is considered benign. This variant is a silent/synonymous amino acid change and it is not expected to impact splicing.

KCCC/NGS Laboratory, Kuwait Cancer Control Center
Classification: Likely benign for Lynch syndrome 4. Last evaluated: 2023-07-07. Review status: criteria provided, single submitter. Criteria: ACMG Guidelines, 2015. Collection method: clinical testing. Allele origin: germline. Affected: yes.

GeneDx
Classification: Likely benign. Last evaluated: 2019-03-04. Review status: criteria provided, single submitter. Criteria: GeneDx Variant Classification Process June 2021. Collection method: clinical testing. Allele origin: germline. Affected: yes.

Color Diagnostics, LLC DBA Color Health
Classification: Likely benign for Hereditary cancer-predisposing syndrome. Last evaluated: 2018-11-29. Review status: criteria provided, single submitter. Criteria: ACMG Guidelines, 2015. Collection method: clinical testing. Allele origin: germline.

Genetic Services Laboratory, University of Chicago
Classification: Likely benign. Last evaluated: 2016-11-21. Review status: criteria provided, single submitter. Criteria: ACMG Guidelines, 2015. Collection method: clinical testing. Allele origin: germline. Affected: no.

Ambry Genetics
Classification: Likely benign for Hereditary cancer-predisposing syndrome. Last evaluated: 2014-12-15. Review status: criteria provided, single submitter. Criteria: Ambry Variant Classification Scheme 2023. Collection method: clinical testing. Allele origin: germline.

NM_000535.7(PMS2):c.378C>T (p.His126=)

Gene: PMS2 (PMS1 homolog 2, mismatch repair system component; minus strand). Cytogenetic location: 7p22.1.
Variant type: single nucleotide variant.
Coding change: c.378C>T on transcript NM_000535.7 (MANE Select); coding-DNA position 378, C replaced by T.
Protein change: p.His126=; no amino-acid change (histidine 126 retained).
Molecular consequence: synonymous variant. On other transcripts: 5 prime UTR variant (8), non-coding transcript variant (1).
Genome position (GRCh38, 1-based): chr7:6,002,612, G>A on the plus strand (C>T on the coding strand, the complement: PMS2 is on the minus strand). VCF-style: chr7-6002612-G-A. GRCh37 (hg19) VCF-style: chr7-6042243-G-A.
Other names: c.-28C>T (NM_001322003.2, NM_001322004.2, NM_001322005.2 and 3 more transcripts); c.378C>T, p.His126= (NM_001322006.2, NM_001322014.2); c.60C>T, p.His20= (NM_001322007.2, NM_001322008.2); c.-507C>T (NM_001322011.2, NM_001322012.2); c.69C>T, p.His23= (NM_001322015.2).
Identifiers: ClinVar variation 187459 (VCV000187459.30), dbSNP rs768488890, ClinGen allele CA012007.